The following is an entry in ClinVar:

NM_000138.5(FBN1):c.503G>T (p.Cys168Phe)

Gene: FBN1 (fibrillin 1; minus strand). Cytogenetic location: 15q21.1.
Variant type: single nucleotide variant.
Coding change: c.503G>T on transcript NM_000138.5 (MANE Select); coding-DNA position 503, G replaced by T.
Protein change: p.Cys168Phe; replaces cysteine 168 with phenylalanine.
Molecular consequence: missense variant.
Genome position (GRCh38, 1-based): chr15:48,596,318, C>A on the plus strand (G>T on the coding strand, the complement: FBN1 is on the minus strand). VCF-style: chr15-48596318-C-A. GRCh37 (hg19) VCF-style: chr15-48888515-C-A.
Other names: short protein forms C168F.
Identifiers: ClinVar variation 449282 (VCV000449282.4), dbSNP rs1555404803, ClinGen allele CA392446296.
Genomic context (GRCh38, chr15:48,596,318, plus strand): 5'-CGTAAATGATTTTAAAAACCATTACCTCTTTCACACTGGGGTCCAGTAAATCCGTAAGTG[C>A]ATGCACATCGATTTGGGGCCACACACCTTCCTCCATTGAGACAGCCACTTTCACAAACAG-3'
Protein context (NP_000129.3, residues 158-178): GRCVAPNRCA[Cys168Phe]TYGFTGPQCE

ClinVar aggregate classification (germline): Pathogenic/Likely pathogenic. Review status: criteria provided, multiple submitters, no conflicts (2 of 4 stars). 3 submissions from 3 submitters: Pathogenic (1); Likely pathogenic (1). 1 of the submissions does not count toward it. Last evaluated 2017-10-17.

Conditions:
Marfan syndrome (MFS). Also called: MARFAN SYNDROME, TYPE I; FBN1-Related Marfan Syndrome; Marfan syndrome type 1; Marfan's syndrome; Marfan syndrome, classic. Identifiers: Orphanet 284963, Orphanet 558, MedGen C0024796, MONDO:0007947, OMIM 154700.

Submissions (3):

GeneDx
Classification: Pathogenic. Last evaluated: 2017-10-17. Review status: criteria provided, single submitter. Criteria: GeneDx Variant Classification (06012015). Collection method: clinical testing. Allele origin: germline. Affected: yes.
Comment: The C168F variant has not been published as pathogenic or been reported as benign to our knowledge, and it is not observed in large population cohorts (Lek et al., 2016). The C168F variant is a non-conservative amino acid substitution, which is likely to impact secondary protein structure as these residues differ in polarity, charge, size and/or other properties. This substitution occurs at a position that is conserved across species, and in silico analysis predicts this variant is probably damaging to the protein structure/function. The C168F variant affects a cysteine residue within an EGF-like domain of the FBN1 gene, which is predicted to affect disulfide bonding and alter the structure and function of the protein. Cysteine substitutions in the EGF-like domains represent the majority of pathogenic missense changes associated with FBN1-related disease (Collod-BÃ©roud et al., 2003). Additionally, other missense variants at the same residue (C168R, C168G, C168W) have been reported in in HGMD in association with Marfan syndrome or ectopia lentis (Stenson et al., 2014).

Center for Human Genetics, Inc
Classification: Likely pathogenic for Marfan syndrome. Last evaluated: 2016-11-01. Review status: criteria provided, single submitter. Criteria: ACMG Guidelines, 2015. Collection method: clinical testing. Allele origin: germline. Affected: yes.

Sangiuolo Lab - Medical Genetics Laboratory, Tor Vergata University
Classification: Likely pathogenic for Marfan syndrome. Last evaluated: 2019-06-06. Review status: no assertion criteria provided. Collection method: clinical testing. Allele origin: de novo. Affected: yes. Not counted in ClinVar's aggregate classification.

Literature cited by the submitters: PubMed 31730815 (cited by Sangiuolo Lab - Medical Genetics Laboratory, Tor Vergata University).